The following is an entry in ClinVar:

ClinVar aggregate classification (germline): Uncertain significance (1 of 4 stars; one submission).

Conditions:
Arrhythmogenic right ventricular dysplasia 9 (ARVD9). Also called: ARRHYTHMOGENIC RIGHT VENTRICULAR DYSPLASIA, FAMILIAL, 9; Arrhythmogenic Right Ventricular Dysplasia/Cardiomyopathy 9. Identifiers: MedGen C1836906, MONDO:0012180, OMIM 609040.

Submission:

Labcorp Genetics (formerly Invitae), Labcorp
Classification: Uncertain significance for Arrhythmogenic right ventricular cardiomyopathy, type 9. Last evaluated: 2019-09-29. Review status: criteria provided, single submitter. Criteria: Invitae Variant Classification Sherloc (09022015). Collection method: clinical testing. Allele origin: germline.
Comment: This variant results in a copy number gain of the genomic region encompassing exons 12-14 of the PKP2 gene. The 5' boundary is likely confined to intron 11. The 3' end of this event is unknown as it extends beyond the assayed region for this gene and therefore may encompass additional genes. As the precise location of this event is unknown, it may be in tandem or it may be located elsewhere in the genome. This variant has not been reported in the literature in individuals with PKP2-related conditions. Experimental studies and prediction algorithms are not available or were not evaluated, and the functional significance of this variant is currently unknown. In summary, the available evidence is currently insufficient to determine the role of this variant in disease. Therefore, it has been classified as a Variant of Uncertain Significance.

NC_000012.12:g.(?_32792414)_(32796308_?)dup

Gene: PKP2 (plakophilin 2; minus strand). Cytogenetic location: 12p11.21.
Variant type: Duplication.
Identifiers: ClinVar variation 833359 (VCV000833359.2).